The following is an entry in ClinVar:

NM_024675.4(PALB2):c.2994A>C (p.Gly998=)

Gene: PALB2 (partner and localizer of BRCA2; minus strand). Cytogenetic location: 16p12.2.
Variant type: single nucleotide variant.
Coding change: c.2994A>C on transcript NM_024675.4 (MANE Select); coding-DNA position 2994, A replaced by C.
Protein change: p.Gly998=; no amino-acid change (glycine 998 retained).
Molecular consequence: synonymous variant. On other transcripts: intron variant (1).
Genome position (GRCh38, 1-based): chr16:23,622,971, T>G on the plus strand (A>C on the coding strand, the complement: PALB2 is on the minus strand). VCF-style: chr16-23622971-T-G. GRCh37 (hg19) VCF-style: chr16-23634292-T-G.
Other names: c.2934A>C, p.Gly978= (NM_001407296.1); c.2922A>C, p.Gly974= (NM_001407297.1); c.2832A>C, p.Gly944= (NM_001407298.1, NM_001407302.1); c.2994A>C, p.Gly998= (NM_001407299.1, NM_001407301.1); c.2109A>C, p.Gly703= (NM_001407304.1, NM_001407305.1, NM_001407306.1 and 4 more transcripts); c.1947A>C, p.Gly649= (NM_001407307.1); c.1206A>C, p.Gly402= (NM_001407312.1, NM_001407313.1); c.528A>C, p.Gly176= (NM_001407314.1); and 1 more.
Identifiers: ClinVar variation 2752485 (VCV002752485.4), dbSNP rs2142334227, ClinGen allele CA494180364.

ClinVar aggregate classification (germline): Benign/Likely benign. Review status: criteria provided, multiple submitters, no conflicts (2 of 4 stars). 2 submissions from 2 submitters: Benign (1); Likely benign (1). Last evaluated 2025-04-29.

Conditions:
Familial cancer of breast. Also called: BREAST CANCER, FAMILIAL; hereditary breast carcinoma; Hereditary breast cancer. Identifiers: Orphanet 227535, MedGen C0346153, MONDO:0016419, OMIM 114480. Disease mechanism: loss of function.

Allele frequency attached by ClinVar (database versions not stated): gnomAD exomes below 0.00001.
gnomAD v4.1: 1 of 1,614,114 alleles (0.000062%); highest among the groups gnomAD compares: Non-Finnish European, 0.000085%; no homozygotes.

Submissions (2):

Labcorp Genetics (formerly Invitae), Labcorp
Classification: Likely benign for Familial cancer of breast. Last evaluated: 2025-04-29. Review status: criteria provided, single submitter. Criteria: Invitae Variant Classification Sherloc (09022015). Collection method: clinical testing. Allele origin: germline.

Myriad Genetics, Inc.
Classification: Benign for Familial cancer of breast. Last evaluated: 2025-01-21. Review status: criteria provided, single submitter. Criteria: Myriad Autosomal Dominant, Autosomal Recessive and X-Linked Classification Criteria (2023). Collection method: clinical testing. Allele origin: unknown.
Comment: This variant is considered benign. This variant is a silent/synonymous amino acid change and it is not expected to impact splicing.